The following is an entry in ClinVar:

ClinVar aggregate classification (germline): Likely benign. Review status: criteria provided, multiple submitters, no conflicts (2 of 4 stars). 3 submissions from 3 submitters: Likely benign (2). 1 of the submissions does not count toward it. Last evaluated 2025-10-22.

Conditions:
Usher syndrome type 2A. Also called: RETINAL DISEASE IN USHER SYNDROME TYPE IIA, MODIFIER OF; USHER SYNDROME, TYPE IIA. Identifiers: Orphanet 231178, Orphanet 886, MedGen C1848634, MONDO:0010169, OMIM 276901.
USH2A-related disorder. Also called: USH2A-related condition; USH2A-related disorders. Identifiers: MedGen CN239332.

Allele frequency attached by ClinVar (database versions not stated): gnomAD 0.00001; TOPMed 0.00002.
gnomAD v4.1: 21 of 1,614,096 alleles (0.0013%); highest among the groups gnomAD compares: Non-Finnish European, 0.0016%; no homozygotes.

Submissions (3):

Labcorp Genetics (formerly Invitae), Labcorp
Classification: Likely benign. Last evaluated: 2025-10-22. Review status: criteria provided, single submitter. Criteria: Invitae Variant Classification Sherloc (09022015). Collection method: clinical testing. Allele origin: germline.

PreventionGenetics, part of Exact Sciences
Classification: Likely benign for USH2A-related condition. Last evaluated: 2025-05-28. Review status: criteria provided, single submitter. Criteria: ACMG Guidelines, 2015. Collection method: clinical testing. Allele origin: germline.
Comment: This variant is classified as likely benign based on ACMG/AMP sequence variant interpretation guidelines (Richards et al. 2015 PMID: 25741868, with internal and published modifications).

Natera, Inc.
Classification: Uncertain significance for Usher syndrome type 2A. Last evaluated: 2020-03-10. Review status: no assertion criteria provided. Collection method: clinical testing. Allele origin: germline. Not counted in ClinVar's aggregate classification.

NM_206933.4(USH2A):c.15265T>C (p.Leu5089=)

Gene: USH2A (usherin; minus strand). Cytogenetic location: 1q41.
Variant type: single nucleotide variant.
Coding change: c.15265T>C on transcript NM_206933.4 (MANE Select); coding-DNA position 15265, T replaced by C.
Protein change: p.Leu5089=; no amino-acid change (leucine 5089 retained).
Molecular consequence: synonymous variant.
Genome position (GRCh38, 1-based): chr1:215,634,491, A>G on the plus strand (T>C on the coding strand, the complement: USH2A is on the minus strand). VCF-style: chr1-215634491-A-G. GRCh37 (hg19) VCF-style: chr1-215807833-A-G.
Identifiers: ClinVar variation 764364 (VCV000764364.10), dbSNP rs746439490, ClinGen allele CA1392757.